The following is an entry in ClinVar:

NM_021267.5(CERS1):c.590+3A>T

Genes: CERS1 (ceramide synthase 1; minus strand), GDF1 (growth differentiation factor 1; minus strand). Cytogenetic location: 19p13.11.
Variant type: single nucleotide variant.
Coding change: c.590+3A>T on transcript NM_021267.5 (MANE Select); 3 bases into the intron after coding-DNA position 590, A replaced by T.
Molecular consequence: intron variant.
Genome position (GRCh38, 1-based): chr19:18,884,084, T>A on the plus strand (A>T on the coding strand, the complement: CERS1 is on the minus strand). VCF-style: chr19-18884084-T-A. GRCh37 (hg19) VCF-style: chr19-18994893-T-A.
Other names: c.590+3A>T (NM_001387440.1, NM_001387441.1, NM_001387439.1 and 1 more transcripts); c.296+3A>T (NM_001387443.1, NM_001387442.1, NM_001290265.2 and 2 more transcripts); c.-313+3A>T (NM_001387438.1); c.-733+3A>T (NM_001492.6).
Identifiers: ClinVar variation 934130 (VCV000934130.5), dbSNP rs752762244, ClinGen allele CA9318218.

ClinVar aggregate classification (germline): Uncertain significance (1 of 4 stars; one submission).

Conditions:
Progressive myoclonic epilepsy type 8. Identifiers: Orphanet 424027, MedGen C5190825, MONDO:0014545, OMIM 616230.

Allele frequency attached by ClinVar (database versions not stated): TOPMed below 0.00001; ExAC 0.00001; gnomAD 0.00001; gnomAD exomes 0.00001.

Submission:

Labcorp Genetics (formerly Invitae), Labcorp
Classification: Uncertain significance for Progressive myoclonic epilepsy type 8. Last evaluated: 2022-10-05. Review status: criteria provided, single submitter. Criteria: Invitae Variant Classification Sherloc (09022015). Collection method: clinical testing. Allele origin: germline.
Comment: This sequence change falls in intron 3 of the CERS1 gene. It does not directly change the encoded amino acid sequence of the CERS1 protein. It affects a nucleotide within the consensus splice site. This variant is present in population databases (rs752762244, gnomAD 0.002%). This variant has not been reported in the literature in individuals affected with CERS1-related conditions. ClinVar contains an entry for this variant (Variation ID: 934130). Variants that disrupt the consensus splice site are a relatively common cause of aberrant splicing (PMID: 17576681, 9536098). Algorithms developed to predict the effect of sequence changes on RNA splicing suggest that this variant may create or strengthen a splice site. In summary, the available evidence is currently insufficient to determine the role of this variant in disease. Therefore, it has been classified as a Variant of Uncertain Significance.

Literature cited by the submitters: PubMed 17576681; PubMed 9536098.